The following is an entry in ClinVar:

ClinVar aggregate classification (germline): Likely benign. Review status: criteria provided, single submitter (1 of 4 stars). 2 submissions from 2 submitters: Likely benign (1). 1 of the submissions does not count toward it. Last evaluated 2024-11-26.

Conditions:
COG7-related disorder. Also called: COG7-related condition.

Submissions (2):

Blueprint Genetics
Classification: Likely benign. Last evaluated: 2024-11-26. Review status: criteria provided, single submitter. Criteria: ACMG Guidelines, 2015. Collection method: clinical testing. Allele origin: germline.

PreventionGenetics, part of Exact Sciences
Classification: Benign for COG7-related condition. Last evaluated: 2024-06-15. Review status: no assertion criteria provided. Collection method: clinical testing. Allele origin: germline. Not counted in ClinVar's aggregate classification.
Comment: This variant is classified as benign based on ACMG/AMP sequence variant interpretation guidelines (Richards et al. 2015 PMID: 25741868, with internal and published modifications).

NM_153603.4(COG7):c.170-9dup

Gene: COG7 (component of oligomeric golgi complex 7; minus strand). Cytogenetic location: 16p12.2.
Variant type: Duplication.
Coding change: c.170-9dup on transcript NM_153603.4 (MANE Select); 9 bases into the intron before coding-DNA position 170, one base duplicated (T; older notation c.170-9dupT).
Molecular consequence: intron variant.
Genome position (GRCh38, 1-based): chr16:23,445,970, A duplicated on the plus strand (T on the coding strand, the reverse complement: COG7 is on the minus strand); the first of 17 consecutive A bases (chr16:23,445,970-23,445,986); duplicating any one gives the same sequence. VCF-style (leftmost placement, unchanged base first): chr16-23445969-T-TA. GRCh37 (hg19) VCF-style: chr16-23457290-T-TA.
Identifiers: ClinVar variation 3041322 (VCV003041322.3), dbSNP rs71379679, ClinGen allele CA7961372.